The following is an entry in ClinVar:

NM_004260.4(RECQL4):c.2058G>C (p.Gln686His)

Gene: RECQL4 (RecQ like helicase 4; minus strand). Cytogenetic location: 8q24.3.
Variant type: single nucleotide variant.
Coding change: c.2058G>C on transcript NM_004260.4 (MANE Select); coding-DNA position 2058, G replaced by C.
Protein change: p.Gln686His; replaces glutamine 686 with histidine.
Molecular consequence: missense variant.
Genome position (GRCh38, 1-based): chr8:144,513,928, C>G on the plus strand (G>C on the coding strand, the complement: RECQL4 is on the minus strand). VCF-style: chr8-144513928-C-G. GRCh37 (hg19) VCF-style: chr8-145739312-C-G.
Other names: c.921G>C, p.Gln307His (NM_001413030.1, NM_001413032.1, NM_001413027.1 and 1 more transcripts); c.789G>C, p.Gln263His (NM_001413031.1); c.1926G>C, p.Gln642His (NM_001413033.1); c.987G>C, p.Gln329His (NM_001413034.1, NM_001413035.1, NM_001413038.1 and 6 more transcripts); c.2058G>C, p.Gln686His (NM_001413036.1, NM_001413018.1, NM_001413019.1); c.855G>C, p.Gln285His (NM_001413037.1); c.2028G>C, p.Gln676His (NM_001413039.1); c.1962G>C, p.Gln654His (NM_001413017.1, NM_001413020.1); and 4 more; short protein forms Q197H, Q263H, Q285H, Q654H, Q676H, Q642H, Q686H, Q307H.
Identifiers: ClinVar variation 2041625 (VCV002041625.4), dbSNP rs1465131717, ClinGen allele CA372680215.

ClinVar aggregate classification (germline): Uncertain significance (1 of 4 stars; one submission).

Conditions:
Baller-Gerold syndrome (BGS). Also called: CRANIOSYNOSTOSIS WITH RADIAL DEFECTS. Identifiers: Orphanet 1225, MedGen C0265308, MONDO:0009039, OMIM 218600.

Submission:

Labcorp Genetics (formerly Invitae), Labcorp
Classification: Uncertain significance for Baller-Gerold syndrome. Last evaluated: 2023-10-23. Review status: criteria provided, single submitter. Criteria: Invitae Variant Classification Sherloc (09022015). Collection method: clinical testing. Allele origin: germline.
Comment: This sequence change replaces glutamine, which is neutral and polar, with histidine, which is basic and polar, at codon 686 of the RECQL4 protein (p.Gln686His). This variant also falls at the last nucleotide of exon 12, which is part of the consensus splice site for this exon. This variant is present in population databases (no rsID available, gnomAD 0.002%). This variant has not been reported in the literature in individuals affected with RECQL4-related conditions. ClinVar contains an entry for this variant (Variation ID: 2041625). Experimental studies and prediction algorithms are not available or were not evaluated, and the functional significance of this variant is currently unknown. Variants that disrupt the consensus splice site are a relatively common cause of aberrant splicing (PMID: 17576681, 9536098). Algorithms developed to predict the effect of sequence changes on RNA splicing suggest that this variant may disrupt the consensus splice site. In summary, the available evidence is currently insufficient to determine the role of this variant in disease. Therefore, it has been classified as a Variant of Uncertain Significance.

Literature cited by the submitters: PubMed 17576681; PubMed 9536098.